The following is an entry in ClinVar:

NM_001323289.2(CDKL5):c.2377G>A (p.Val793Ile)

Gene: CDKL5 (cyclin dependent kinase like 5; plus strand). Cytogenetic location: Xp22.13.
Variant type: single nucleotide variant.
Coding change: c.2377G>A on transcript NM_001323289.2 (MANE Select); coding-DNA position 2377, G replaced by A.
Protein change: p.Val793Ile; replaces valine 793 with isoleucine.
Molecular consequence: missense variant.
Genome position (GRCh38, 1-based): chrX:18,625,128, G>A. VCF-style: chrX-18625128-G-A. GRCh37 (hg19) VCF-style: chrX-18643248-G-A.
Other names: c.2377G>A, p.Val793Ile (NM_001037343.2, NM_003159.3); short protein forms V793I.
Identifiers: ClinVar variation 1417873 (VCV001417873.8), dbSNP rs754699773, ClinGen allele CA10360535.

ClinVar aggregate classification (germline): Uncertain significance (1 of 4 stars; one submission).

Conditions:
Angelman syndrome-like. Identifiers: MedGen CN128785.
Developmental and epileptic encephalopathy, 2 (DEE2). Also called: INFANTILE SPASM SYNDROME, X-LINKED 2; CDKL5 deficiency disorder. Identifiers: Orphanet 1934, Orphanet 3451, Orphanet 505652, MedGen C4750718, MONDO:0010396, OMIM 300672.

Allele frequency attached by ClinVar (database versions not stated): ExAC 0.00001; gnomAD 0.00001; gnomAD exomes 0.00001.
gnomAD v4.1: 2 of 1,205,049 alleles (0.00017%); highest among the groups gnomAD compares: African/African-American, 0.0035%; no homozygotes.

Submission:

Labcorp Genetics (formerly Invitae), Labcorp
Classification: Uncertain significance for Developmental and epileptic encephalopathy, 2; Angelman syndrome-like. Last evaluated: 2025-11-25. Review status: criteria provided, single submitter. Criteria: Invitae Variant Classification Sherloc (09022015). Collection method: clinical testing. Allele origin: germline.
Comment: This sequence change replaces valine, which is neutral and non-polar, with isoleucine, which is neutral and non-polar, at codon 793 of the CDKL5 protein (p.Val793Ile). This variant is present in population databases (rs754699773, gnomAD 0.02%), including at least one homozygous and/or hemizygous individual. This variant has not been reported in the literature in individuals affected with CDKL5-related conditions. ClinVar contains an entry for this variant (Variation ID: 1417873). An algorithm developed to predict the effect of missense changes on protein structure and function (PolyPhen-2) suggests that this variant is likely to be tolerated. In summary, the available evidence is currently insufficient to determine the role of this variant in disease. Therefore, it has been classified as a Variant of Uncertain Significance.